The following is an entry in ClinVar:

NM_001267550.2(TTN):c.45520_45521del (p.Arg15174fs)

Genes: TTN (titin; minus strand), LOC126806427 (BRD4-independent group 4 enhancer GRCh37_chr2:179485777-179486976; plus strand). Cytogenetic location: 2q31.2.
Variant type: Microsatellite.
Coding change: c.45520_45521del on transcript NM_001267550.2 (MANE Select); coding-DNA positions 45520 to 45521, 2 bases deleted (AG; older notation c.45520_45521delAG).
Protein change: p.Arg15174fs; shifts the reading frame from arginine 15174.
Molecular consequence: frameshift variant.
Genome position (GRCh38, 1-based): chr2:178,621,197-178,621,198, CT deleted on the plus strand (AG on the coding strand, the reverse complement: TTN is on the minus strand); deleting any 2 consecutive bases within chr2:178,621,197-178,621,200 gives the same sequence; the c. name uses the placement nearest the transcript's 3' end. VCF-style (leftmost placement, unchanged base first): chr2-178621196-CCT-C. GRCh37 (hg19) VCF-style: chr2-179485923-CCT-C.
Other names: c.40597_40598del, p.Arg13533fs (NM_001256850.1); c.18325_18326del, p.Arg6109fs (NM_003319.4); c.37816_37817del, p.Arg12606fs (NM_133378.4); c.18700_18701del, p.Arg6234fs (NM_133432.3); c.18901_18902del, p.Arg6301fs (NM_133437.4); c.45520_45521delAG (NM_001267550.2); short protein forms R12606fs, R13533fs, R15174fs, R6109fs, R6234fs, R6301fs.
Identifiers: ClinVar variation 3038548 (VCV003038548.4), dbSNP rs2471036803, ClinGen allele CA2740096156.

ClinVar aggregate classification (germline): Likely pathogenic. Review status: criteria provided, single submitter (1 of 4 stars). 2 submissions from 2 submitters: Likely pathogenic (1). 1 of the submissions does not count toward it. Last evaluated 2024-11-27.

Conditions:
TTN-related disorder. Also called: TTN-related condition; TTN-related disease; TTN-related disorders.
Dilated cardiomyopathy 1G (CMD1G). Identifiers: Orphanet 154, MedGen C1858763, MONDO:0011400, OMIM 604145.
Autosomal recessive limb-girdle muscular dystrophy type 2J (LGMDR10). Also called: Limb-girdle muscular dystrophy, type 2J; MUSCULAR DYSTROPHY, LIMB-GIRDLE, AUTOSOMAL RECESSIVE 10. Identifiers: Orphanet 140922, MedGen C1837342, MONDO:0012127, OMIM 608807.

Submissions (2):

Labcorp Genetics (formerly Invitae), Labcorp
Classification: Likely pathogenic for Dilated cardiomyopathy 1G; Autosomal recessive limb-girdle muscular dystrophy type 2J. Last evaluated: 2024-11-27. Review status: criteria provided, single submitter. Criteria: Invitae Variant Classification Sherloc (09022015). Collection method: clinical testing. Allele origin: germline.
Comment: This sequence change creates a premature translational stop signal (p.Arg15174Glyfs*32) in the TTN gene. While this is not anticipated to result in nonsense mediated decay, it is expected to create a truncated TTN protein. This variant is not present in population databases (gnomAD no frequency). This variant has not been reported in the literature in individuals affected with TTN-related conditions. ClinVar contains an entry for this variant (Variation ID: 3038548). This variant is located in the I band of TTN (PMID: 25589632). Truncating variants in this region have been reported in individuals affected with autosomal recessive centronuclear myopathy (PMID: 23975875, internal data). Truncating variants in this region have also been identified in individuals affected with autosomal dominant dilated cardiomyopathy and/or cardio-related conditions (PMID: 27869827, 32964742, internal data). In summary, the currently available evidence indicates that the variant is pathogenic, but additional data are needed to prove that conclusively. Therefore, this variant has been classified as Likely Pathogenic.

PreventionGenetics, part of Exact Sciences
Classification: Likely pathogenic for TTN-related condition. Last evaluated: 2023-11-13. Review status: no assertion criteria provided. Collection method: clinical testing. Allele origin: germline. Not counted in ClinVar's aggregate classification.
Comment: The TTN c.45520_45521delAG variant is predicted to result in a frameshift and premature protein termination (p.Arg15174Glyfs*32). To our knowledge, this variant has not been reported in the literature or in a large population database, indicating this variant is rare. This variant is located in the TTN protein I-band region. RNAseq studies from heart tissue indicate this exon is commonly included in TTN mRNA transcripts (PSI of 100%, Roberts A.M. et al. 2015. PMID: 25589632). TTN truncating variants are reported in 1-2% of presumably healthy individuals, but occur more frequently in exons with low PSI values (Roberts A.M. et al. 2015. PMID: 25589632; Herman D.S. et al. 2012. PMID: 22335739). Many cases of recessive congenital TTN-related myopathies in which the individual is compound heterozygous for two loss of function variants in TTN have also been reported (See Ceyhan-Birsoy O. et al. 2013. PMID: 23975875; Chauveau C et al. 2014. PMID: 24105469; Evilä A et al. 2016. PMID: 27796757; Ge et al. 2019. PubMed ID: 31053406). In summary, the c.45520_45521delAG variant is likely pathogenic for TTN-related disorders.

Literature cited by the submitters: PubMed 25589632 (cited by Labcorp Genetics (formerly Invitae), Labcorp); PubMed 23975875 (cited by Labcorp Genetics (formerly Invitae), Labcorp); PubMed 27869827 (cited by Labcorp Genetics (formerly Invitae), Labcorp); PubMed 32964742 (cited by Labcorp Genetics (formerly Invitae), Labcorp).